The following is an entry in ClinVar:

NM_182641.4(BPTF):c.1865-5567A>G

Gene: BPTF (bromodomain PHD finger transcription factor; plus strand). Cytogenetic location: 17q24.2.
Variant type: single nucleotide variant.
Coding change: c.1865-5567A>G on transcript NM_182641.4 (MANE Select); 5567 bases into the intron before coding-DNA position 1865, A replaced by G.
Molecular consequence: intron variant. On other transcripts: missense variant (1).
Genome position (GRCh38, 1-based): chr17:67,886,277, A>G. VCF-style: chr17-67886277-A-G. GRCh37 (hg19) VCF-style: chr17-65882393-A-G.
Other names: c.2203A>G, p.Arg735Gly (NM_004459.7); short protein forms R735G.
Identifiers: ClinVar variation 2112313 (VCV002112313.4), dbSNP rs1567979890, ClinGen allele CA400716830.

ClinVar aggregate classification (germline): Uncertain significance (1 of 4 stars; one submission).

Allele frequency attached by ClinVar (database versions not stated): gnomAD exomes below 0.00001.
gnomAD v4.1: 2 of 1,614,064 alleles (0.00012%); highest among the groups gnomAD compares: Admixed American, 0.0017%; no homozygotes.

Submission:

Labcorp Genetics (formerly Invitae), Labcorp
Classification: Uncertain significance. Last evaluated: 2022-05-04. Review status: criteria provided, single submitter. Criteria: Invitae Variant Classification Sherloc (09022015). Collection method: clinical testing. Allele origin: germline.
Comment: In summary, the available evidence is currently insufficient to determine the role of this variant in disease. Therefore, it has been classified as a Variant of Uncertain Significance. Algorithms developed to predict the effect of missense changes on protein structure and function (SIFT, PolyPhen-2, Align-GVGD) all suggest that this variant is likely to be tolerated. This variant has not been reported in the literature in individuals affected with BPTF-related conditions. This variant is not present in population databases (gnomAD no frequency). This sequence change replaces arginine, which is basic and polar, with glycine, which is neutral and non-polar, at codon 735 of the BPTF protein (p.Arg735Gly).